The following is an entry in ClinVar:

NM_004260.4(RECQL4):c.194T>C (p.Leu65Pro)

Gene: RECQL4 (RecQ like helicase 4; minus strand). Cytogenetic location: 8q24.3.
Variant type: single nucleotide variant.
Coding change: c.194T>C on transcript NM_004260.4 (MANE Select); coding-DNA position 194, T replaced by C.
Protein change: p.Leu65Pro; replaces leucine 65 with proline.
Molecular consequence: missense variant.
Genome position (GRCh38, 1-based): chr8:144,517,433, A>G on the plus strand (T>C on the coding strand, the complement: RECQL4 is on the minus strand). VCF-style: chr8-144517433-A-G. GRCh37 (hg19) VCF-style: chr8-145742817-A-G.
Other names: c.194T>C (NM_004260.3); short protein forms L65P.
Identifiers: ClinVar variation 1016283 (VCV001016283.5), dbSNP rs1288667600, ClinGen allele CA372692535.

ClinVar aggregate classification (germline): Uncertain significance. Review status: criteria provided, multiple submitters, no conflicts (2 of 4 stars). 2 submissions from 2 submitters: Uncertain significance (2). Last evaluated 2024-08-26.

Conditions:
Baller-Gerold syndrome (BGS). Also called: CRANIOSYNOSTOSIS WITH RADIAL DEFECTS. Identifiers: Orphanet 1225, MedGen C0265308, MONDO:0009039, OMIM 218600.
Inborn genetic diseases. Identifiers: MedGen C0950123, MeSH D030342.

Allele frequency attached by ClinVar (database versions not stated): gnomAD 0.00001; gnomAD exomes 0.00001; TOPMed 0.00002.

Submissions (2):

Ambry Genetics
Classification: Uncertain significance for Inborn genetic diseases. Last evaluated: 2024-08-26. Review status: criteria provided, single submitter. Criteria: Ambry Variant Classification Scheme 2023. Collection method: clinical testing. Allele origin: germline.

Labcorp Genetics (formerly Invitae), Labcorp
Classification: Uncertain significance for Baller-Gerold syndrome. Last evaluated: 2023-07-28. Review status: criteria provided, single submitter. Criteria: Invitae Variant Classification Sherloc (09022015). Collection method: clinical testing. Allele origin: germline.
Comment: This sequence change replaces leucine, which is neutral and non-polar, with proline, which is neutral and non-polar, at codon 65 of the RECQL4 protein (p.Leu65Pro). The frequency data for this variant in the population databases is considered unreliable, as metrics indicate poor data quality at this position in the gnomAD database. In summary, the available evidence is currently insufficient to determine the role of this variant in disease. Therefore, it has been classified as a Variant of Uncertain Significance. Experimental studies and prediction algorithms are not available or were not evaluated, and the functional significance of this variant is currently unknown. ClinVar contains an entry for this variant (Variation ID: 1016283). This variant has not been reported in the literature in individuals affected with RECQL4-related conditions.